The following is an entry in ClinVar:

NM_000051.4(ATM):c.6833T>C (p.Ile2278Thr)

Genes: ATM (ATM serine/threonine kinase; plus strand), C11orf65 (chromosome 11 open reading frame 65; minus strand). Cytogenetic location: 11q22.3.
Variant type: single nucleotide variant.
Coding change: c.6833T>C on transcript NM_000051.4 (MANE Select); coding-DNA position 6833, T replaced by C.
Protein change: p.Ile2278Thr; replaces isoleucine 2278 with threonine.
Molecular consequence: missense variant. On other transcripts: intron variant (2).
Genome position (GRCh38, 1-based): chr11:108,326,083, T>C. VCF-style: chr11-108326083-T-C. GRCh37 (hg19) VCF-style: chr11-108196810-T-C.
Other names: c.6833T>C, p.Ile2278Thr (NM_001351834.2); c.641-17012A>G (NM_001330368.2); c.*38+9137A>G (NM_001351110.2); short protein forms I2278T.
Identifiers: ClinVar variation 3651907 (VCV003651907.3).
Genomic context (GRCh38, chr11:108,326,083, plus strand): 5'-AAAGTATTTATTCCCATATGTCATTTTCATTTCAGCTCCCTGAAAGGGCAATATTTCAAA[T>C]TAAACAGTACAATTCAGTTAGCTGTGGAGTCTCTGAGTGGCAGCTGGAAGAAGCACAAGT-3'
Protein context (NP_000042.3, residues 2268-2288): TQLPERAIFQ[Ile2278Thr]KQYNSVSCGV

ClinVar aggregate classification (germline): Uncertain significance. Review status: criteria provided, multiple submitters, no conflicts (2 of 4 stars). 2 submissions from 2 submitters: Uncertain significance (2). Last evaluated 2025-04-08.

Conditions:
Ataxia-telangiectasia syndrome (AT). Also called: Ataxia-telangiectasia, complementation group D; AT, COMPLEMENTATION GROUP C; ATAXIA-TELANGIECTASIA, COMPLEMENTATION GROUP A; ATAXIA-TELANGIECTASIA, FRESNO VARIANT; Ataxia-telangiectasia; Ataxia-telangiectasia, complementation group E. Identifiers: Orphanet 100, MedGen C0004135, MONDO:0008840, OMIM 208900.
Hereditary cancer-predisposing syndrome. Also called: Neoplastic Syndromes, Hereditary; Tumor predisposition; Hereditary Cancer Syndrome; Hereditary neoplastic syndrome. Identifiers: Orphanet 140162, MedGen C0027672, MeSH D009386, MONDO:0015356.

Submissions (2):

Ambry Genetics
Classification: Uncertain significance for Hereditary cancer-predisposing syndrome. Last evaluated: 2025-04-08. Review status: criteria provided, single submitter. Criteria: Ambry Variant Classification Scheme 2023. Collection method: clinical testing. Allele origin: germline.
Comment: The p.I2278T variant (also known as c.6833T>C), located in coding exon 46 of the ATM gene, results from a T to C substitution at nucleotide position 6833. The isoleucine at codon 2278 is replaced by threonine, an amino acid with similar properties. This amino acid position is conserved. In addition, the in silico prediction for this alteration is inconclusive. Based on the available evidence, the clinical significance of this variant remains unclear.

Labcorp Genetics (formerly Invitae), Labcorp
Classification: Uncertain significance for Ataxia-telangiectasia syndrome. Last evaluated: 2024-05-02. Review status: criteria provided, single submitter. Criteria: Invitae Variant Classification Sherloc (09022015). Collection method: clinical testing. Allele origin: germline.
Comment: This sequence change replaces isoleucine, which is neutral and non-polar, with threonine, which is neutral and polar, at codon 2278 of the ATM protein (p.Ile2278Thr). This variant is not present in population databases (gnomAD no frequency). This variant has not been reported in the literature in individuals affected with ATM-related conditions. An algorithm developed to predict the effect of missense changes on protein structure and function (PolyPhen-2) suggests that this variant is likely to be disruptive. In summary, the available evidence is currently insufficient to determine the role of this variant in disease. Therefore, it has been classified as a Variant of Uncertain Significance.